The following is an entry in ClinVar:

NM_138694.4(PKHD1):c.11310G>C (p.Gln3770His)

Gene: PKHD1 (PKHD1 ciliary IPT domain containing fibrocystin/polyductin; minus strand). Cytogenetic location: 6p12.3.
Variant type: single nucleotide variant.
Coding change: c.11310G>C on transcript NM_138694.4 (MANE Select); coding-DNA position 11310, G replaced by C.
Protein change: p.Gln3770His; replaces glutamine 3770 with histidine.
Molecular consequence: missense variant.
Genome position (GRCh38, 1-based): chr6:51,649,085, C>G on the plus strand (G>C on the coding strand, the complement: PKHD1 is on the minus strand). VCF-style: chr6-51649085-C-G. GRCh37 (hg19) VCF-style: chr6-51513883-C-G.
Other names: c.11310G>C (NM_138694.3); short protein forms Q3770H.
Identifiers: ClinVar variation 2201892 (VCV002201892.3), dbSNP rs1770520420, ClinGen allele CA364425654.
Genomic context (GRCh38, chr6:51,649,085, plus strand): 5'-AGGCTGAATGCTACATGCTACTTAGCTCTAAAGACAGATTTGTTACCTGTGAAAAGTTAC[C>G]TGCTCATCCAAAAATACCAATTGTGGCTGCACTGGAAGCTCATTTCCCACTTCTCCATCT-3'
Protein context (NP_619639.3, residues 3760-3780): VQPQLVFLDE[Gln3770His]NRRVESLGPP

ClinVar aggregate classification (germline): Conflicting classifications of pathogenicity. Review status: criteria provided, conflicting classifications (1 of 4 stars). 3 submissions from 3 submitters: Likely pathogenic (1); Uncertain significance (2). Last evaluated 2026-07-23.

Conditions:
Polycystic kidney disease 4 (PKD4). Also called: PKD3; POLYCYSTIC KIDNEY AND HEPATIC DISEASE 1; POLYCYSTIC KIDNEY DISEASE, INFANTILE, TYPE I; POLYCYSTIC KIDNEY DISEASE 4 WITH OR WITHOUT POLYCYSTIC LIVER DISEASE; Autosomal Recessive Polycystic Kidney Disease – PKHD1. Identifiers: MedGen C4540575, MONDO:0033004, OMIM 263200.
PKHD1-related disorder. Also called: PKHD1-related condition.
Autosomal recessive polycystic kidney disease (ARPKD). Also called: AR polycystic kidney disease. Identifiers: Orphanet 731, Orphanet 8378, MedGen C0085548, MeSH D017044, MONDO:0009889.

Allele frequency attached by ClinVar (database versions not stated): gnomAD exomes below 0.00001; gnomAD 0.00001; TOPMed 0.00004.
gnomAD v4.1: 2 of 1,613,396 alleles (0.00012%); highest among the groups gnomAD compares: Admixed American, 0.0033%; no homozygotes.

Submissions (3):

PreventionGenetics, part of Exact Sciences
Classification: Likely pathogenic for PKHD1-related condition. Last evaluated: 2026-07-23. Review status: criteria provided, single submitter. Criteria: ACMG Guidelines, 2015. Collection method: clinical testing. Allele origin: germline.
Comment: The PKHD1 c.11310G>C variant is predicted to result in the amino acid substitution p.Gln3770His. This variant occurs at the last base of an exon, and is predicted to alter splicing based on available splicing prediction programs (SpliceAI, Jaganathan et al. 2019. PubMed ID: 30661751). This variant has been reported in an affected individual in the literature, but no details were provided to assess pathogenicity (eTable 8 of Supplement 2, Chang et al. 2022. PubMed ID: 36573973). At PreventionGenetics, this variant has been reported in the compound heterozygous and homozygous states in patients tested for cystic kidney disease (internal data). This variant has not been reported in a large population database (gnomAD), indicating this variant is rare. This variant is interpreted as likely pathogenic.

Fulgent Genetics
Classification: Uncertain significance for Polycystic kidney disease 4. Last evaluated: 2024-01-03. Review status: criteria provided, single submitter. Criteria: ACMG Guidelines, 2015. Collection method: clinical testing. Allele origin: germline.

Labcorp Genetics (formerly Invitae), Labcorp
Classification: Uncertain significance for Autosomal recessive polycystic kidney disease. Last evaluated: 2022-10-20. Review status: criteria provided, single submitter. Criteria: Invitae Variant Classification Sherloc (09022015). Collection method: clinical testing. Allele origin: germline.
Comment: This sequence change affects codon 3770 of the PKHD1 mRNA. It is a 'silent' change, meaning that it does not change the encoded amino acid sequence of the PKHD1 protein. This variant also falls at the last nucleotide of exon 62, which is part of the consensus splice site for this exon. This variant is not present in population databases (gnomAD no frequency). This variant has been observed in individual(s) with polycystic kidney disease (Invitae). Algorithms developed to predict the effect of missense changes on protein structure and function are either unavailable or do not agree on the potential impact of this missense change (SIFT: "Deleterious"; PolyPhen-2: "Possibly Damaging"; Align-GVGD: "Class C0"). Variants that disrupt the consensus splice site are a relatively common cause of aberrant splicing (PMID: 17576681, 9536098). Algorithms developed to predict the effect of sequence changes on RNA splicing suggest that this variant may disrupt the consensus splice site. In summary, the available evidence is currently insufficient to determine the role of this variant in disease. Therefore, it has been classified as a Variant of Uncertain Significance.

Literature cited by the submitters: PubMed 17576681 (cited by Labcorp Genetics (formerly Invitae), Labcorp); PubMed 9536098 (cited by Labcorp Genetics (formerly Invitae), Labcorp).